The following is an entry in ClinVar:

NM_000186.4(CFH):c.223A>C (p.Asn75His)

Gene: CFH (complement factor H; plus strand). Cytogenetic location: 1q31.3.
Variant type: single nucleotide variant.
Coding change: c.223A>C on transcript NM_000186.4 (MANE Select); coding-DNA position 223, A replaced by C.
Protein change: p.Asn75His; replaces asparagine 75 with histidine.
Molecular consequence: missense variant.
Genome position (GRCh38, 1-based): chr1:196,673,142, A>C. VCF-style: chr1-196673142-A-C. GRCh37 (hg19) VCF-style: chr1-196642272-A-C.
Other names: c.223A>C, p.Asn75His (NM_001014975.3); short protein forms N75H.
Identifiers: ClinVar variation 2091536 (VCV002091536.7), dbSNP rs1439683865, ClinGen allele CA343996374.

ClinVar aggregate classification (germline): Uncertain significance. Review status: criteria provided, multiple submitters, no conflicts (2 of 4 stars). 4 submissions from 4 submitters: Uncertain significance (4). Last evaluated 2026-07-01.

Conditions:
Inborn genetic diseases. Identifiers: MedGen C0950123, MeSH D030342.
Basal laminar drusen. Also called: DRUSEN OF BRUCH MEMBRANE; DRUSEN, CUTICULAR; DRUSEN, EARLY ADULT-ONSET, GROUPED. Identifiers: Orphanet 75376, MedGen C0730295, MONDO:0007472, OMIM 126700.
Age related macular degeneration 4. Identifiers: MedGen C1853147, MONDO:0012540, OMIM 610698.
Factor H deficiency (CFHD). Also called: COMPLEMENT FACTOR H DEFICIENCY; CFH DEFICIENCY. Identifiers: Orphanet 200421, MedGen C0398777, MONDO:0012350, OMIM 609814.
Hemolytic uremic syndrome, atypical, susceptibility to, 1. Also called: AHUS, SUSCEPTIBILITY TO, 1. Identifiers: Orphanet 2134, Orphanet 90038, MedGen C2749604, MONDO:0009335, OMIM 235400. Disease mechanism: Other.

Allele frequency attached by ClinVar (database versions not stated): gnomAD exomes below 0.00001; gnomAD 0.00001; TOPMed 0.00001.
gnomAD v4.1: 8 of 1,613,424 alleles (0.0005%); highest among the groups gnomAD compares: Admixed American, 0.012%; no homozygotes.

Submissions (4):

CeGaT Center for Human Genetics Tuebingen
Classification: Uncertain significance. Last evaluated: 2026-07-01. Review status: criteria provided, single submitter. Criteria: CeGaT Center For Human Genetics Tuebingen Variant Classification Criteria Version 2. Collection method: clinical testing. Allele origin: germline. Affected: yes. Observed: 1 variant allele.
Comment: CFH: PM2, BP4

Ambry Genetics
Classification: Uncertain significance for Inborn genetic diseases. Last evaluated: 2025-11-13. Review status: criteria provided, single submitter. Criteria: Ambry Variant Classification Scheme 2023. Collection method: clinical testing. Allele origin: germline.

Labcorp Genetics (formerly Invitae), Labcorp
Classification: Uncertain significance. Last evaluated: 2025-09-02. Review status: criteria provided, single submitter. Criteria: Invitae Variant Classification Sherloc (09022015). Collection method: clinical testing. Allele origin: germline.
Comment: This sequence change replaces asparagine, which is neutral and polar, with histidine, which is basic and polar, at codon 75 of the CFH protein (p.Asn75His). This variant is present in population databases (no rsID available, gnomAD 0.01%). This variant has not been reported in the literature in individuals affected with CFH-related conditions. ClinVar contains an entry for this variant (Variation ID: 2091536). An algorithm developed to predict the effect of missense changes on protein structure and function outputs the following: PolyPhen-2: "Benign". The histidine amino acid residue is found in multiple mammalian species, which suggests that this missense change does not adversely affect protein function. In summary, the available evidence is currently insufficient to determine the role of this variant in disease. Therefore, it has been classified as a Variant of Uncertain Significance.

Fulgent Genetics
Classification: Uncertain significance for Basal laminar drusen; Hemolytic uremic syndrome, atypical, susceptibility to, 1; Factor H deficiency; Age related macular degeneration 4. Last evaluated: 2024-03-07. Review status: criteria provided, single submitter. Criteria: ACMG Guidelines, 2015. Collection method: clinical testing. Allele origin: germline.